The following is an entry in ClinVar:

NM_000051.4(ATM):c.2414G>T (p.Arg805Leu)

Gene: ATM (ATM serine/threonine kinase; plus strand). Cytogenetic location: 11q22.3.
Variant type: single nucleotide variant.
Coding change: c.2414G>T on transcript NM_000051.4 (MANE Select); coding-DNA position 2414, G replaced by T.
Protein change: p.Arg805Leu; replaces arginine 805 with leucine.
Molecular consequence: missense variant.
Genome position (GRCh38, 1-based): chr11:108,259,023, G>T. VCF-style: chr11-108259023-G-T. GRCh37 (hg19) VCF-style: chr11-108129750-G-T.
Other names: c.2414G>T, p.Arg805Leu (NM_001351834.2); short protein forms R805L.
Identifiers: ClinVar variation 3451606 (VCV003451606.1).

ClinVar aggregate classification (germline): Uncertain significance (1 of 4 stars; one submission).

Conditions:
Hereditary cancer-predisposing syndrome. Also called: Tumor predisposition; Neoplastic Syndromes, Hereditary; Hereditary neoplastic syndrome; Hereditary Cancer Syndrome. Identifiers: Orphanet 140162, MedGen C0027672, MeSH D009386, MONDO:0015356.

gnomAD v4.1: 1 of 1,613,744 alleles (0.000062%); highest among the groups gnomAD compares: South Asian, 0.0011%; no homozygotes.

Submission:

Ambry Genetics
Classification: Uncertain significance for Hereditary cancer-predisposing syndrome. Last evaluated: 2024-09-30. Review status: criteria provided, single submitter. Criteria: Ambry Variant Classification Scheme 2023. Collection method: clinical testing. Allele origin: germline.
Comment: The p.R805L variant (also known as c.2414G>T), located in coding exon 15 of the ATM gene, results from a G to T substitution at nucleotide position 2414. The arginine at codon 805 is replaced by leucine, an amino acid with dissimilar properties. This amino acid position is conserved. In addition, the in silico prediction for this alteration is inconclusive. Based on the available evidence, the clinical significance of this variant remains unclear.